The following is an entry in ClinVar:

NM_000712.4(BLVRA):c.215A>G (p.Tyr72Cys)

Gene: BLVRA (biliverdin reductase A; plus strand). Cytogenetic location: 7p13.
Variant type: single nucleotide variant.
Coding change: c.215A>G on transcript NM_000712.4 (MANE Select); coding-DNA position 215, A replaced by G.
Protein change: p.Tyr72Cys; replaces tyrosine 72 with cysteine.
Molecular consequence: missense variant.
Genome position (GRCh38, 1-based): chr7:43,791,329, A>G. VCF-style: chr7-43791329-A-G. GRCh37 (hg19) VCF-style: chr7-43830928-A-G.
Other names: c.215A>G, p.Tyr72Cys (NM_001253823.2); short protein forms Y72C.
Identifiers: ClinVar variation 2060837 (VCV002060837.6), dbSNP rs138636653, ClinGen allele CA4234028.

ClinVar aggregate classification (germline): Conflicting classifications of pathogenicity. Review status: criteria provided, conflicting classifications (1 of 4 stars). 3 submissions from 3 submitters: Uncertain significance (1); Likely benign (2). Last evaluated 2026-06-08.

Conditions:
BLVRA-related disorder. Also called: BLVRA-related condition.

Allele frequency attached by ClinVar (database versions not stated): gnomAD exomes 0.00012; gnomAD 0.00017; ExAC 0.00018; TOPMed 0.00019; ESP Exome Variant Server 0.00023.
gnomAD v4.1: 221 of 1,614,096 alleles (0.014%); highest among the groups gnomAD compares: Non-Finnish European, 0.0032%; no homozygotes.

Submissions (3):

PreventionGenetics, part of Exact Sciences
Classification: Likely benign for BLVRA-related condition. Last evaluated: 2026-06-08. Review status: criteria provided, single submitter. Criteria: ACMG Guidelines, 2015. Collection method: clinical testing. Allele origin: germline.
Comment: This variant is classified as likely benign based on ACMG/AMP sequence variant interpretation guidelines (Richards et al. 2015 PMID: 25741868, with internal and published modifications).

Labcorp Genetics (formerly Invitae), Labcorp
Classification: Likely benign. Last evaluated: 2025-06-20. Review status: criteria provided, single submitter. Criteria: Invitae Variant Classification Sherloc (09022015). Collection method: clinical testing. Allele origin: germline.

Ambry Genetics
Classification: Uncertain significance. Last evaluated: 2021-10-26. Review status: criteria provided, single submitter. Criteria: Ambry Variant Classification Scheme 2023. Collection method: clinical testing. Allele origin: germline.